The following is an entry in ClinVar:

NM_139318.5(KCNH5):c.811G>C (p.Val271Leu)

Gene: KCNH5 (potassium voltage-gated channel subfamily H member 5; minus strand). Cytogenetic location: 14q23.2.
Variant type: single nucleotide variant.
Coding change: c.811G>C on transcript NM_139318.5 (MANE Select); coding-DNA position 811, G replaced by C.
Protein change: p.Val271Leu; replaces valine 271 with leucine.
Molecular consequence: missense variant.
Genome position (GRCh38, 1-based): chr14:62,981,003, C>G on the plus strand (G>C on the coding strand, the complement: KCNH5 is on the minus strand). VCF-style: chr14-62981003-C-G. GRCh37 (hg19) VCF-style: chr14-63447721-C-G.
Other names: c.811G>C, p.Val271Leu (NM_172375.3); short protein forms V271L.
Identifiers: ClinVar variation 2916946 (VCV002916946.3), dbSNP rs769453241, ClinGen allele CA390104081.

ClinVar aggregate classification (germline): Uncertain significance (1 of 4 stars; one submission).

Conditions:
Early-infantile DEE. Also called: Early infantile epileptic encephalopathy; Early infantile epileptic encephalopathy with suppression bursts; Ohtahara syndrome. Identifiers: Orphanet 1934, MedGen C0393706, MONDO:0800491.

Submission:

Labcorp Genetics (formerly Invitae), Labcorp
Classification: Uncertain significance for Early-infantile DEE. Last evaluated: 2023-02-02. Review status: criteria provided, single submitter. Criteria: Invitae Variant Classification Sherloc (09022015). Collection method: clinical testing. Allele origin: germline.
Comment: In summary, the available evidence is currently insufficient to determine the role of this variant in disease. Therefore, it has been classified as a Variant of Uncertain Significance. Advanced modeling of protein sequence and biophysical properties (such as structural, functional, and spatial information, amino acid conservation, physicochemical variation, residue mobility, and thermodynamic stability) performed at Invitae indicates that this missense variant is not expected to disrupt KCNH5 protein function. This variant has not been reported in the literature in individuals affected with KCNH5-related conditions. This variant is not present in population databases (gnomAD no frequency). This sequence change replaces valine, which is neutral and non-polar, with leucine, which is neutral and non-polar, at codon 271 of the KCNH5 protein (p.Val271Leu).